The following is an entry in ClinVar:

NM_203446.3(SYNJ1):c.2954A>G (p.Lys985Arg)

Gene: SYNJ1 (synaptojanin 1; minus strand). Cytogenetic location: 21q22.11.
Variant type: single nucleotide variant.
Coding change: c.2954A>G on transcript NM_203446.3 (MANE Select); coding-DNA position 2954, A replaced by G.
Protein change: p.Lys985Arg; replaces lysine 985 with arginine.
Molecular consequence: missense variant.
Genome position (GRCh38, 1-based): chr21:32,650,267, T>C on the plus strand (A>G on the coding strand, the complement: SYNJ1 is on the minus strand). VCF-style: chr21-32650267-T-C. GRCh37 (hg19) VCF-style: chr21-34022577-T-C.
Other names: c.2954A>G, p.Lys985Arg (NM_001160302.2); c.2939A>G, p.Lys980Arg (NM_001160306.2); c.3071A>G, p.Lys1024Arg (NM_003895.4); short protein forms K985R, K1024R, K980R.
Identifiers: ClinVar variation 665872 (VCV000665872.9), dbSNP rs1325187801, ClinGen allele CA410070623.

ClinVar aggregate classification (germline): Uncertain significance (1 of 4 stars; one submission).

Conditions:
Developmental and epileptic encephalopathy, 53. Also called: Epileptic encephalopathy, early infantile, 53. Identifiers: MedGen C4479313, MONDO:0033362, OMIM 617389.
Early-onset Parkinson disease 20. Also called: PARKINSON DISEASE 20, AUTOSOMAL RECESSIVE EARLY-ONSET. Identifiers: Orphanet 391411, MedGen C3809824, MONDO:0014233, OMIM 615530.

Allele frequency attached by ClinVar (database versions not stated): gnomAD exomes below 0.00001; gnomAD 0.00001.
gnomAD v4.1: 3 of 1,613,962 alleles (0.00019%); highest among the groups gnomAD compares: Non-Finnish European, 0.00025%; no homozygotes.

Submission:

Labcorp Genetics (formerly Invitae), Labcorp
Classification: Uncertain significance for Developmental and epileptic encephalopathy, 53; Early-onset Parkinson disease 20. Last evaluated: 2018-07-15. Review status: criteria provided, single submitter. Criteria: Invitae Variant Classification Sherloc (09022015). Collection method: clinical testing. Allele origin: germline.
Comment: In summary, the available evidence is currently insufficient to determine the role of this variant in disease. Therefore, it has been classified as a Variant of Uncertain Significance. Algorithms developed to predict the effect of missense changes on protein structure and function (SIFT, PolyPhen-2, Align-GVGD) all suggest that this variant is likely to be tolerated, but these predictions have not been confirmed by published functional studies and their clinical significance is uncertain. This variant has not been reported in the literature in individuals with SYNJ1-related disease. This variant is not present in population databases (ExAC no frequency). This sequence change replaces lysine with arginine at codon 1024 of the SYNJ1 protein (p.Lys1024Arg). The lysine residue is moderately conserved and there is a small physicochemical difference between lysine and arginine.